The following is an entry in ClinVar:

NM_001365536.1(SCN9A):c.4482A>G (p.Gln1494=)

Genes: SCN1A-AS1 (SCN1A and SCN9A antisense RNA 1; plus strand), SCN9A (sodium voltage-gated channel alpha subunit 9; minus strand). Cytogenetic location: 2q24.3.
Variant type: single nucleotide variant.
Coding change: c.4482A>G on transcript NM_001365536.1 (MANE Select); coding-DNA position 4482, A replaced by G.
Protein change: p.Gln1494=; no amino-acid change (glutamine 1494 retained).
Molecular consequence: synonymous variant.
Genome position (GRCh38, 1-based): chr2:166,204,381, T>C on the plus strand (A>G on the coding strand, the complement: SCN9A is on the minus strand). VCF-style: chr2-166204381-T-C. GRCh37 (hg19) VCF-style: chr2-167060891-T-C.
Other names: c.4449A>G, p.Gln1483= (NM_002977.4).
Identifiers: ClinVar variation 626166 (VCV000626166.2), dbSNP rs1558945594, ClinGen allele CA429893533.
Genomic context (GRCh38, chr2:166,204,381, plus strand): 5'-TTGAAAATCTATATGCTAAAGATATATATATTTTTTTACCCCTGGTCGAGGAATTGGCTT[T>C]TGTGGCTTCTTGGACCCCAGCTTTTTCATTGCATTATAGTATTTCTTCTGTTCTTCTGTC-3'
Protein context (NP_001352465.1, residues 1484-1504): AMKKLGSKKP[Gln1494=]KPIPRPGNKI

ClinVar aggregate classification (germline): Uncertain significance. Review status: criteria provided, single submitter (1 of 4 stars). 2 submissions from 1 submitter: Uncertain significance (2). Last evaluated 2021-03-30.

Conditions:
Primary erythromelalgia. Also called: SCN9A Erythromelalgia (SCN9A-EM); primary erythermalgia. Identifiers: Orphanet 306577, Orphanet 90026, MedGen C0014805, MONDO:0007571, OMIM 133020.
Paroxysmal extreme pain disorder (PEXPD). Also called: PAIN, SUBMANDIBULAR, OCULAR, AND RECTAL, WITH FLUSHING; RECTAL PAIN, FAMILIAL; SCN9A Paroxysmal Extreme Pain Disorder (SCN9A-PEPD). Identifiers: Orphanet 46348, MedGen C1833661, MONDO:0008179, OMIM 167400.
Severe myoclonic epilepsy in infancy (DRVT). Also called: Dravet syndrome; Epileptic encephalopathy, early infantile, 6 (Dravet syndrome); SEVERE MYOCLONIC EPILEPSY OF INFANCY; DEVELOPMENTAL AND EPILEPTIC ENCEPHALOPATHY 6A; Severe Myoclonic Epilepsy in Infancy (SMEI). Identifiers: Orphanet 33069, MedGen C0751122, MONDO:0100135, OMIM 607208.
Channelopathy-associated congenital insensitivity to pain, autosomal recessive. Also called: Insensitivity to pain, channelopathy-associated; ASYMBOLIA FOR PAIN; CONGENITAL ANALGESIA, AUTOSOMAL RECESSIVE. Identifiers: Orphanet 88642, Orphanet 970, MedGen C1855739, MONDO:0009459, OMIM 243000.
Generalized epilepsy with febrile seizures plus, type 7 (GEFSP7). Also called: GEFS+, TYPE 7. Identifiers: Orphanet 36387, MedGen C2751778, MONDO:0013470, OMIM 613863.

Submissions (2):

Center for Genomics, Ann and Robert H. Lurie Children's Hospital of Chicago
Classification: Uncertain significance for Primary erythromelalgia; Channelopathy-associated congenital insensitivity to pain, autosomal recessive; Paroxysmal extreme pain disorder. Last evaluated: 2021-03-30. Review status: criteria provided, single submitter. Criteria: ACMG Guidelines, 2015. Collection method: clinical testing. Allele origin: germline.
Comment: SCN9A NM_002977.3 exon 25 p.Gln1483= (c.4449A>G): This variant has not been reported in the literature and is not present in large control databases. Evolutionary conservation and computational predictive tools for this variant are limited or unavailable. Of note, this variant is a silent variant and does not change the amino acid, reducing the probability that this variant is disease causing. In summary, data on this variant is insufficient for disease classification. Therefore, the clinical significance of this variant is uncertain.

Center for Genomics, Ann and Robert H. Lurie Children's Hospital of Chicago
Classification: Uncertain significance for Generalized epilepsy with febrile seizures plus, type 7; Primary erythromelalgia; Channelopathy-associated congenital insensitivity to pain, autosomal recessive; Paroxysmal extreme pain disorder; Severe myoclonic epilepsy in infancy. Last evaluated: 2018-07-25. Review status: criteria provided, single submitter. Criteria: ACMG Guidelines, 2015. Collection method: clinical testing. Allele origin: germline.
Comment: the same text as in the submission from Center for Genomics, Ann and Robert H. Lurie Children's Hospital of Chicago above.